The following is an entry in ClinVar:

ClinVar aggregate classification (germline): Uncertain significance. Review status: criteria provided, multiple submitters, no conflicts (2 of 4 stars). 2 submissions from 2 submitters: Uncertain significance (2). Last evaluated 2024-12-03.

Conditions:
Seizures, benign familial infantile, 3 (BFIS3). Also called: Familial neonatal seizures; CONVULSIONS, BENIGN FAMILIAL INFANTILE, 3. Identifiers: Orphanet 140927, Orphanet 306, MedGen C1843140, MONDO:0011904, OMIM 607745.
Developmental and epileptic encephalopathy, 11 (DEE11). Also called: Early infantile epileptic encephalopathy 11. Identifiers: Orphanet 1934, MedGen C3150987, MONDO:0013388, OMIM 613721.

Allele frequency attached by ClinVar (database versions not stated): ExAC 0.00001; gnomAD exomes 0.00001; TOPMed 0.00005; gnomAD 0.00007.

Submissions (2):

Labcorp Genetics (formerly Invitae), Labcorp
Classification: Uncertain significance for Seizures, benign familial infantile, 3; Developmental and epileptic encephalopathy, 11. Last evaluated: 2024-12-03. Review status: criteria provided, single submitter. Criteria: Invitae Variant Classification Sherloc (09022015). Collection method: clinical testing. Allele origin: germline.
Comment: This variant, c.5836_5838del, results in the deletion of 1 amino acid(s) of the SCN2A protein (p.Lys1946del), but otherwise preserves the integrity of the reading frame. This variant is present in population databases (rs770838929, gnomAD 0.02%). This variant has not been reported in the literature in individuals affected with SCN2A-related conditions. ClinVar contains an entry for this variant (Variation ID: 839505). Experimental studies and prediction algorithms are not available or were not evaluated, and the functional significance of this variant is currently unknown. In summary, the available evidence is currently insufficient to determine the role of this variant in disease. Therefore, it has been classified as a Variant of Uncertain Significance.

GeneDx
Classification: Uncertain significance. Last evaluated: 2022-11-17. Review status: criteria provided, single submitter. Criteria: GeneDx Variant Classification Process June 2021. Collection method: clinical testing. Allele origin: germline. Affected: yes.
Comment: In-frame deletion of 1 amino acids in a non-repeat region; In silico analysis supports a deleterious effect on protein structure/function; Has not been previously published as pathogenic or benign to our knowledge; This residue is predicted to be within the C-terminal cytoplasmic domain

NM_001040142.2(SCN2A):c.5836_5838del (p.Lys1946del)

Gene: SCN2A (sodium voltage-gated channel alpha subunit 2; plus strand). Cytogenetic location: 2q24.3.
Variant type: Deletion.
Coding change: c.5836_5838del on transcript NM_001040142.2 (MANE Select); coding-DNA positions 5836 to 5838, 3 bases deleted (AAA; older notation c.5836_5838delAAA).
Protein change: p.Lys1946del; deletes lysine 1946.
Molecular consequence: inframe deletion.
Genome position (GRCh38, 1-based): chr2:165,389,642-165,389,644, AAA deleted. VCF-style (leftmost placement, unchanged base first): chr2-165389641-CAAA-C. GRCh37 (hg19) VCF-style: chr2-166246151-CAAA-C.
Other names: c.5836_5838del, p.Lys1946del (NM_001040143.2, NM_001371246.1, NM_001371247.1 and 1 more transcripts); short protein forms K1946del.
Identifiers: ClinVar variation 839505 (VCV000839505.12), dbSNP rs770838929, ClinGen allele CA1940435.